The following is an entry in ClinVar:

ClinVar aggregate classification (germline): Benign. Review status: criteria provided, single submitter (1 of 4 stars). 2 submissions from 2 submitters: Benign (1). 1 of the submissions does not count toward it. Last evaluated 2026-01-24.

Conditions:
INTU-related disorder. Also called: INTU-related condition.

Allele frequency attached by ClinVar (database versions not stated): gnomAD exomes 0.00020; ESP Exome Variant Server 0.00023; gnomAD 0.00033; TOPMed 0.00042; ExAC 0.00071; 1000 Genomes Project 30x 0.00078; 1000 Genomes Project 0.00100.
gnomAD v4.1: 340 of 1,614,042 alleles (0.021%); highest among the groups gnomAD compares: East Asian, 0.55%; no homozygotes.

Submissions (2):

Labcorp Genetics (formerly Invitae), Labcorp
Classification: Benign. Last evaluated: 2026-01-24. Review status: criteria provided, single submitter. Criteria: Invitae Variant Classification Sherloc (09022015). Collection method: clinical testing. Allele origin: germline.

PreventionGenetics, part of Exact Sciences
Classification: Benign for INTU-related condition. Last evaluated: 2019-08-09. Review status: no assertion criteria provided. Collection method: clinical testing. Allele origin: germline. Not counted in ClinVar's aggregate classification.
Comment: This variant is classified as benign based on ACMG/AMP sequence variant interpretation guidelines (Richards et al. 2015 PMID: 25741868, with internal and published modifications).

NM_015693.4(INTU):c.2213G>A (p.Arg738Gln)

Gene: INTU (inturned planar cell polarity protein; plus strand). Cytogenetic location: 4q28.1.
Variant type: single nucleotide variant.
Coding change: c.2213G>A on transcript NM_015693.4 (MANE Select); coding-DNA position 2213, G replaced by A.
Protein change: p.Arg738Gln; replaces arginine 738 with glutamine.
Molecular consequence: missense variant.
Genome position (GRCh38, 1-based): chr4:127,706,911, G>A. VCF-style: chr4-127706911-G-A. GRCh37 (hg19) VCF-style: chr4-128628066-G-A.
Other names: c.2213G>A (NM_015693.3); short protein forms R738Q.
Identifiers: ClinVar variation 2060030 (VCV002060030.6), dbSNP rs142903075, ClinGen allele CA3075271.